The following is an entry in ClinVar:

ClinVar aggregate classification (germline): Uncertain significance (1 of 4 stars; one submission).

Conditions:
Dilated cardiomyopathy 1O (CMD1O). Also called: CARDIOMYOPATHY, DILATED, WITH VENTRICULAR TACHYCARDIA. Identifiers: Orphanet 154, MedGen C1837839, MONDO:0012062, OMIM 608569.

gnomAD v4.1: 3 of 1,613,664 alleles (0.00019%); highest among the groups gnomAD compares: Non-Finnish European, 0.00025%; no homozygotes.

Submission:

Labcorp Genetics (formerly Invitae), Labcorp
Classification: Uncertain significance for Dilated cardiomyopathy 1O. Last evaluated: 2024-10-15. Review status: criteria provided, single submitter. Criteria: Invitae Variant Classification Sherloc (09022015). Collection method: clinical testing. Allele origin: germline.
Comment: This sequence change replaces valine, which is neutral and non-polar, with glutamic acid, which is acidic and polar, at codon 1525 of the ABCC9 protein (p.Val1525Glu). This variant is not present in population databases (gnomAD no frequency). This variant has not been reported in the literature in individuals affected with ABCC9-related conditions. ClinVar contains an entry for this variant (Variation ID: 1018059). Invitae Evidence Modeling of protein sequence and biophysical properties (such as structural, functional, and spatial information, amino acid conservation, physicochemical variation, residue mobility, and thermodynamic stability) indicates that this missense variant is not expected to disrupt ABCC9 protein function with a negative predictive value of 95%. In summary, the available evidence is currently insufficient to determine the role of this variant in disease. Therefore, it has been classified as a Variant of Uncertain Significance.

NM_020297.4(ABCC9):c.4512+748T>A

Genes: ABCC9 (ATP binding cassette subfamily C member 9; minus strand), KCNJ8-AS1 (KCNJ8 antisense RNA 1; plus strand). Cytogenetic location: 12p12.1.
Variant type: single nucleotide variant.
Coding change: c.4512+748T>A on transcript NM_020297.4 (MANE Select); 748 bases into the intron after coding-DNA position 4512, T replaced by A.
Molecular consequence: intron variant. On other transcripts: missense variant (1).
Genome position (GRCh38, 1-based): chr12:21,805,250, A>T on the plus strand (T>A on the coding strand, the complement: ABCC9 is on the minus strand). VCF-style: chr12-21805250-A-T. GRCh37 (hg19) VCF-style: chr12-21958184-A-T.
Other names: c.4574T>A, p.Val1525Glu (NM_005691.4); c.3645+748T>A (NM_001377274.1); c.4512+748T>A (NM_001377273.1); short protein forms V1525E.
Identifiers: ClinVar variation 1018059 (VCV001018059.8), dbSNP rs1941753268, ClinGen allele CA384129220.